The following is an entry in ClinVar:

NM_004519.4(KCNQ3):c.2323T>A (p.Ser775Thr)

Gene: KCNQ3 (potassium voltage-gated channel subfamily Q member 3; minus strand). Cytogenetic location: 8q24.22.
Variant type: single nucleotide variant.
Coding change: c.2323T>A on transcript NM_004519.4 (MANE Select); coding-DNA position 2323, T replaced by A.
Protein change: p.Ser775Thr; replaces serine 775 with threonine.
Molecular consequence: missense variant.
Genome position (GRCh38, 1-based): chr8:132,129,558, A>T on the plus strand (T>A on the coding strand, the complement: KCNQ3 is on the minus strand). VCF-style: chr8-132129558-A-T. GRCh37 (hg19) VCF-style: chr8-133141805-A-T.
Other names: c.1963T>A, p.Ser655Thr (NM_001204824.2); short protein forms S775T, S655T.
Identifiers: ClinVar variation 2835083 (VCV002835083.3), dbSNP rs539957072, ClinGen allele CA372216136.

ClinVar aggregate classification (germline): Uncertain significance (1 of 4 stars; one submission).

Conditions:
Benign neonatal seizures. Also called: Benign familial neonatal seizures; Benign neonatal familial convulsions; Benign familial neonatal epilepsy; Convulsions benign familial neonatal dominant form; Autosomal dominant form of benign neonatal seizures. Identifiers: Orphanet 1949, MedGen C0220669, MONDO:0016027.

Submission:

Labcorp Genetics (formerly Invitae), Labcorp
Classification: Uncertain significance for Benign neonatal seizures. Last evaluated: 2023-02-20. Review status: criteria provided, single submitter. Criteria: Invitae Variant Classification Sherloc (09022015). Collection method: clinical testing. Allele origin: germline.
Comment: This sequence change replaces serine, which is neutral and polar, with threonine, which is neutral and polar, at codon 775 of the KCNQ3 protein (p.Ser775Thr). This variant is not present in population databases (gnomAD no frequency). This variant has not been reported in the literature in individuals affected with KCNQ3-related conditions. Advanced modeling of protein sequence and biophysical properties (such as structural, functional, and spatial information, amino acid conservation, physicochemical variation, residue mobility, and thermodynamic stability) performed at Invitae indicates that this missense variant is not expected to disrupt KCNQ3 protein function. In summary, the available evidence is currently insufficient to determine the role of this variant in disease. Therefore, it has been classified as a Variant of Uncertain Significance.